The following is an entry in ClinVar:

NM_005228.5(EGFR):c.3256T>C (p.Phe1086Leu)

Gene: EGFR (epidermal growth factor receptor; plus strand). Cytogenetic location: 7p11.2.
Variant type: single nucleotide variant.
Coding change: c.3256T>C on transcript NM_005228.5 (MANE Select); coding-DNA position 3256, T replaced by C.
Protein change: p.Phe1086Leu; replaces phenylalanine 1086 with leucine.
Molecular consequence: missense variant.
Genome position (GRCh38, 1-based): chr7:55,202,610, T>C. VCF-style: chr7-55202610-T-C. GRCh37 (hg19) VCF-style: chr7-55270303-T-C.
Other names: c.3121T>C, p.Phe1041Leu (NM_001346897.2, NM_001346899.2); c.3256T>C, p.Phe1086Leu (NM_001346898.2); c.3097T>C, p.Phe1033Leu (NM_001346900.2); c.2455T>C, p.Phe819Leu (NM_001346941.2); short protein forms F1033L, F1041L, F1086L, F819L.
Identifiers: ClinVar variation 1720384 (VCV001720384.5), dbSNP rs1032201502, ClinGen allele CA367583531.

ClinVar aggregate classification (germline): Uncertain significance (1 of 4 stars; one submission).

Conditions:
EGFR-related lung cancer (EGFR). Identifiers: MedGen CN130014.

Submission:

Labcorp Genetics (formerly Invitae), Labcorp
Classification: Uncertain significance for EGFR-related lung cancer. Last evaluated: 2024-03-14. Review status: criteria provided, single submitter. Criteria: Invitae Variant Classification Sherloc (09022015). Collection method: clinical testing. Allele origin: germline.
Comment: This sequence change replaces phenylalanine, which is neutral and non-polar, with leucine, which is neutral and non-polar, at codon 1086 of the EGFR protein (p.Phe1086Leu). This variant is not present in population databases (gnomAD no frequency). This variant has not been reported in the literature in individuals affected with EGFR-related conditions. ClinVar contains an entry for this variant (Variation ID: 1720384). An algorithm developed to predict the effect of missense changes on protein structure and function (PolyPhen-2) suggests that this variant is likely to be disruptive. In summary, the available evidence is currently insufficient to determine the role of this variant in disease. Therefore, it has been classified as a Variant of Uncertain Significance.